The following is an entry in ClinVar:

ClinVar aggregate classification (germline): Uncertain significance. Review status: criteria provided, multiple submitters, no conflicts (2 of 4 stars). 3 submissions from 3 submitters: Uncertain significance (3). Last evaluated 2024-11-11.

Conditions:
CHARGE syndrome (CHARGE). Also called: Hittner Hirsch Kreh syndrome; CHARGE ASSOCIATION--COLOBOMA, HEART ANOMALY, CHOANAL ATRESIA, RETARDATION, GENITAL AND EAR ANOMALIES; Coloboma, heart anomaly, choanal atresia, retardation, genital and ear anomalies; CHARGE association; Hall-Hittner syndrome. Identifiers: Orphanet 138, MedGen C0265354, MONDO:0008965.

Submissions (3):

Labcorp Genetics (formerly Invitae), Labcorp
Classification: Uncertain significance for CHARGE syndrome. Last evaluated: 2024-11-11. Review status: criteria provided, single submitter. Criteria: Invitae Variant Classification Sherloc (09022015). Collection method: clinical testing. Allele origin: germline.
Comment: This sequence change replaces glutamine, which is neutral and polar, with histidine, which is basic and polar, at codon 502 of the SEMA3E protein (p.Gln502His). This variant is not present in population databases (gnomAD no frequency). This variant has not been reported in the literature in individuals affected with SEMA3E-related conditions. ClinVar contains an entry for this variant (Variation ID: 2314024). Invitae Evidence Modeling of protein sequence and biophysical properties (such as structural, functional, and spatial information, amino acid conservation, physicochemical variation, residue mobility, and thermodynamic stability) indicates that this missense variant is not expected to disrupt SEMA3E protein function with a negative predictive value of 80%. In summary, the available evidence is currently insufficient to determine the role of this variant in disease. Therefore, it has been classified as a Variant of Uncertain Significance.

Blueprint Genetics
Classification: Uncertain significance. Last evaluated: 2024-08-02. Review status: criteria provided, single submitter. Criteria: ACMG Guidelines, 2015. Collection method: clinical testing. Allele origin: germline.

Ambry Genetics
Classification: Uncertain significance. Last evaluated: 2022-09-27. Review status: criteria provided, single submitter. Criteria: Ambry Variant Classification Scheme 2023. Collection method: clinical testing. Allele origin: germline.

NM_012431.3(SEMA3E):c.1506G>C (p.Gln502His)

Gene: SEMA3E (semaphorin 3E; minus strand). Cytogenetic location: 7q21.11.
Variant type: single nucleotide variant.
Coding change: c.1506G>C on transcript NM_012431.3 (MANE Select); coding-DNA position 1506, G replaced by C.
Protein change: p.Gln502His; replaces glutamine 502 with histidine.
Molecular consequence: missense variant.
Genome position (GRCh38, 1-based): chr7:83,392,716, C>G on the plus strand (G>C on the coding strand, the complement: SEMA3E is on the minus strand). VCF-style: chr7-83392716-C-G. GRCh37 (hg19) VCF-style: chr7-83022032-C-G.
Other names: c.1326G>C, p.Gln442His (NM_001178129.2); short protein forms Q502H, Q442H.
Identifiers: ClinVar variation 2314024 (VCV002314024.6), dbSNP rs1170846873, ClinGen allele CA367923711.